The following is an entry in ClinVar:

ClinVar aggregate classification (germline): Uncertain significance (1 of 4 stars; one submission).

Conditions:
Brugada syndrome. Also called: Sudden Unexplained Death Syndrome; Sudden Unexplained Nocturnal Death Syndrome (SUNDS); Sudden unexpected nocturnal death syndrome; Sudden unexplained nocturnal death syndrome. Identifiers: Orphanet 130, MedGen C1142166, MONDO:0015263.

Submission:

Labcorp Genetics (formerly Invitae), Labcorp
Classification: Uncertain significance for Brugada syndrome. Last evaluated: 2024-12-10. Review status: criteria provided, single submitter. Criteria: Invitae Variant Classification Sherloc (09022015). Collection method: clinical testing. Allele origin: germline.
Comment: This sequence change creates a premature translational stop signal (p.Gly270Alafs*30) in the SCN10A gene. It is expected to result in an absent or disrupted protein product. However, the current clinical and genetic evidence is not sufficient to establish whether loss-of-function variants in SCN10A cause disease. The frequency data for this variant in the population databases is considered unreliable, as metrics indicate poor data quality at this position in the gnomAD database. This variant has not been reported in the literature in individuals affected with SCN10A-related conditions. ClinVar contains an entry for this variant (Variation ID: 1447867). In summary, the available evidence is currently insufficient to determine the role of this variant in disease. Therefore, it has been classified as a Variant of Uncertain Significance.

NM_006514.4(SCN10A):c.809del (p.Gly270fs)

Gene: SCN10A (sodium voltage-gated channel alpha subunit 10; minus strand). Cytogenetic location: 3p22.2.
Variant type: Deletion.
Coding change: c.809del on transcript NM_006514.4 (MANE Select); coding-DNA position 809, one base deleted (G; older notation c.809delG).
Protein change: p.Gly270fs; shifts the reading frame from glycine 270.
Molecular consequence: frameshift variant.
Genome position (GRCh38, 1-based): chr3:38,761,266, C deleted on the plus strand (G on the coding strand, the reverse complement: SCN10A is on the minus strand); the first of 3 consecutive C bases (chr3:38,761,266-38,761,268); deleting any one gives the same sequence. VCF-style (leftmost placement, unchanged base first): chr3-38761265-GC-G. GRCh37 (hg19) VCF-style: chr3-38802756-GC-G.
Other names: c.809del, p.Gly270fs (NM_001293306.2, NM_001293307.2); short protein forms G270fs.
Identifiers: ClinVar variation 1447867 (VCV001447867.3), dbSNP rs749875280, ClinGen allele CA2321073.
Genomic context (GRCh38, chr3:38,761,265, plus strand): 5'-TGAGTAGTTGGTTGTCTCATTGACAGCCATGTCATTCTTGACACATTTATTTTTGAGGTT[GC>G]CCTTGAAGAGTTGCAGCCCCACCAAGGCAAAAACACTTAGGCAGAAGATGGTGAGGATGG-3'